The following is an entry in ClinVar:

NM_003413.4(ZIC3):c.469C>A (p.Pro157Thr)

Gene: ZIC3 (Zic family zinc finger 3; plus strand). Cytogenetic location: Xq26.3.
Variant type: single nucleotide variant.
Coding change: c.469C>A on transcript NM_003413.4 (MANE Select); coding-DNA position 469, C replaced by A.
Protein change: p.Pro157Thr; replaces proline 157 with threonine.
Molecular consequence: missense variant.
Genome position (GRCh38, 1-based): chrX:137,567,160, C>A. VCF-style: chrX-137567160-C-A. GRCh37 (hg19) VCF-style: chrX-136649319-C-A.
Other names: c.469C>A, p.Pro157Thr (NM_001330661.1); short protein forms P157T.
Identifiers: ClinVar variation 2634354 (VCV002634354.1), dbSNP rs867186935, ClinGen allele CA336368814.

ClinVar aggregate classification (germline): Uncertain significance (1 of 4 stars; one submission).

Conditions:
ZIC3-related disorder. Also called: ZIC3-related condition; ZIC3-Related Disorders.

Allele frequency attached by ClinVar (database versions not stated): TOPMed 0.00001.
gnomAD v4.1: 8 of 1,207,843 alleles (0.00066%); highest among the groups gnomAD compares: African/African-American, 0.0086%; no homozygotes.

Submission:

PreventionGenetics, part of Exact Sciences
Classification: Uncertain significance for ZIC3-related condition. Last evaluated: 2022-09-28. Review status: criteria provided, single submitter. Criteria: ACMG Guidelines, 2015. Collection method: clinical testing. Allele origin: germline.
Comment: The ZIC3 c.469C>A variant is predicted to result in the amino acid substitution p.Pro157Thr. To our knowledge, this variant has not been reported in the literature or in a large population database, indicating this variant is rare. At this time, the clinical significance of this variant is uncertain due to the absence of conclusive functional and genetic evidence.